The following is an entry in ClinVar:

ClinVar aggregate classification (germline): Uncertain significance (1 of 4 stars; one submission).

Conditions:
Autosomal recessive ataxia, Beauce type. Also called: SYNE1-Related Autosomal Recessive Cerebellar Ataxia; Spinocerebellar ataxia, autosomal recessive 8; ATAXIA, RECESSIVE, OF BEAUCE; SYNE1 Deficiency. Identifiers: Orphanet 88644, MedGen C1853116, MONDO:0012549, OMIM 610743.
Emery-Dreifuss muscular dystrophy 4, autosomal dominant (EDMD4). Also called: EMERY-DREIFUSS MUSCULAR DYSTROPHY 4 WITH VARIABLE FEATURES. Identifiers: Orphanet 261, MedGen C2751807, MONDO:0013071, OMIM 612998.

Allele frequency attached by ClinVar (database versions not stated): gnomAD exomes below 0.00001; ExAC 0.00001.
gnomAD v4.1: 1 of 1,614,128 alleles (0.000062%); no homozygotes.

Submission:

Labcorp Genetics (formerly Invitae), Labcorp
Classification: Uncertain significance for Emery-Dreifuss muscular dystrophy 4, autosomal dominant; Autosomal recessive ataxia, Beauce type. Last evaluated: 2022-04-30. Review status: criteria provided, single submitter. Criteria: Invitae Variant Classification Sherloc (09022015). Collection method: clinical testing. Allele origin: germline.
Comment: In summary, the available evidence is currently insufficient to determine the role of this variant in disease. Therefore, it has been classified as a Variant of Uncertain Significance. Algorithms developed to predict the effect of missense changes on protein structure and function are either unavailable or do not agree on the potential impact of this missense change (SIFT: "Deleterious"; PolyPhen-2: "Benign"; Align-GVGD: "Class C25"). This variant has not been reported in the literature in individuals affected with SYNE1-related conditions. This variant is present in population databases (rs776536357, gnomAD 0.004%). This sequence change replaces arginine, which is basic and polar, with lysine, which is basic and polar, at codon 3239 of the SYNE1 protein (p.Arg3239Lys).

NM_182961.4(SYNE1):c.9695G>A (p.Arg3232Lys)

Gene: SYNE1 (spectrin repeat containing nuclear envelope protein 1; minus strand). Cytogenetic location: 6q25.2.
Variant type: single nucleotide variant.
Coding change: c.9695G>A on transcript NM_182961.4 (MANE Select); coding-DNA position 9695, G replaced by A.
Protein change: p.Arg3232Lys; replaces arginine 3232 with lysine.
Molecular consequence: missense variant.
Genome position (GRCh38, 1-based): chr6:152,369,084, C>T on the plus strand (G>A on the coding strand, the complement: SYNE1 is on the minus strand). VCF-style: chr6-152369084-C-T. GRCh37 (hg19) VCF-style: chr6-152690219-C-T.
Other names: c.9716G>A, p.Arg3239Lys (NM_033071.5); short protein forms R3232K, R3239K.
Identifiers: ClinVar variation 2132142 (VCV002132142.4), dbSNP rs776536357, ClinGen allele CA4057240.